The following is an entry in ClinVar:

ClinVar aggregate classification (germline): Pathogenic/Likely pathogenic. Review status: criteria provided, multiple submitters, no conflicts (2 of 4 stars). 2 submissions from 2 submitters: Pathogenic (1); Likely pathogenic (1). Last evaluated 2025-05-26.

Conditions:
Hereditary cancer-predisposing syndrome. Also called: Hereditary Cancer Syndrome; Neoplastic Syndromes, Hereditary; Hereditary neoplastic syndrome; Tumor predisposition. Identifiers: Orphanet 140162, MedGen C0027672, MeSH D009386, MONDO:0015356.
Retinoblastoma (RB1). Also called: RETINOBLASTOMA, SOMATIC. Identifiers: Orphanet 790, MedGen C0035335, MeSH D012175, MONDO:0008380, OMIM 180200, HP:0009919. Disease mechanism: loss of function. Inheritance: Both sporadic and heritable forms are tested..

Submissions (2):

Labcorp Genetics (formerly Invitae), Labcorp
Classification: Pathogenic for Retinoblastoma. Last evaluated: 2025-05-26. Review status: criteria provided, single submitter. Criteria: Invitae Variant Classification Sherloc (09022015). Collection method: clinical testing. Allele origin: germline.
Comment: This sequence change replaces serine, which is neutral and polar, with threonine, which is neutral and polar, at codon 127 of the RB1 protein (p.Ser127Thr). This variant also falls at the last nucleotide of exon 3, which is part of the consensus splice site for this exon. This variant is not present in population databases (gnomAD no frequency). This missense change has been observed in individuals with bilateral retinoblastoma (PMID: 8776589, 21520333). ClinVar contains an entry for this variant (Variation ID: 428661). An algorithm developed to predict the effect of missense changes on protein structure and function (PolyPhen-2) suggests that this variant is likely to be disruptive. Variants that disrupt the consensus splice site are a relatively common cause of aberrant splicing (PMID: 17576681, 9536098). Algorithms developed to predict the effect of sequence changes on RNA splicing suggest that this variant may disrupt the consensus splice site. This variant disrupts the p.Ser127 amino acid residue in RB1. Other variant(s) that disrupt this residue have been determined to be pathogenic (PMID: 3427701, 15884040, 22084214; internal data). This suggests that this residue is clinically significant, and that variants that disrupt this residue are likely to be disease-causing. For these reasons, this variant has been classified as Pathogenic.

Ambry Genetics
Classification: Likely pathogenic for Hereditary cancer-predisposing syndrome. Last evaluated: 2015-10-30. Review status: criteria provided, single submitter. Criteria: Ambry Autosomal Dominant and X-Linked criteria (10/2015). Collection method: clinical testing. Allele origin: germline. Observed: 1 variant allele.
Comment: The c.380G>C variant (also known as p.S127T), located in coding exon 3 of the RB1 gene, results from a G to C substitution at nucleotide position 380. The amino acid change results in serine to threonine at codon 127, an amino acid with similar properties. However, this change occurs in the last base pair of coding exon 3, which makes it likely to have some effect on normal mRNA splicing. <span style="background-color:rgb(255, 255, 255); color:rgb(51, 51, 51); font-family:sans-serif,arial,verdana,trebuchet ms; font-size:13px">Using two different splice site prediction tools, BDGP and ESE,this alteration is predicted to cause a decrease in the native donor splice site strength but does not abolish it.One study reported the p.S127T variant as causing a loss of the donor splice site (VanOrsouw<span style="background-color:rgb(255, 255, 255); color:rgb(51, 51, 51); font-family:sans-serif,arial,verdana,trebuchet ms; font-size:13px">et al. Hum.Mol.Genet.1996;5(6): 755-61).This variant was not reported in population based cohorts in the following databases: Database of Single Nucleotide Polymorphisms (dbSNP), NHLBI Exome Sequencing Project (ESP), and 1000 Genomes Project. In the ESP, this variant was not observed in 6502 samples (13004 alleles) with coverage of 6502 at this position. This nucleotide and amino acid position is highlyconserved on sequence alignment.In addition, this alteration is predicted to be tolerated by in silico analysis.<span style="background-color:rgb(255, 255, 255); color:rgb(51, 51, 51); font-family:sans-serif,arial,verdana,trebuchet ms; font-size:13px">Based on the majority of available evidence to date, this variant is likely to be pathogenic.

Literature cited by the submitters: PubMed 8776589 (cited by Labcorp Genetics (formerly Invitae), Labcorp); PubMed 21520333 (cited by Labcorp Genetics (formerly Invitae), Labcorp); PubMed 17576681 (cited by Labcorp Genetics (formerly Invitae), Labcorp); PubMed 9536098 (cited by Labcorp Genetics (formerly Invitae), Labcorp); PubMed 3427701 (cited by Labcorp Genetics (formerly Invitae), Labcorp); PubMed 15884040 (cited by Labcorp Genetics (formerly Invitae), Labcorp); PubMed 22084214 (cited by Labcorp Genetics (formerly Invitae), Labcorp).

NM_000321.3(RB1):c.380G>C (p.Ser127Thr)

Gene: RB1 (RB transcriptional corepressor 1; plus strand). Cytogenetic location: 13q14.2.
Variant type: single nucleotide variant.
Coding change: c.380G>C on transcript NM_000321.3 (MANE Select); coding-DNA position 380, G replaced by C.
Protein change: p.Ser127Thr; replaces serine 127 with threonine.
Molecular consequence: missense variant.
Genome position (GRCh38, 1-based): chr13:48,342,714, G>C. VCF-style: chr13-48342714-G-C. GRCh37 (hg19) VCF-style: chr13-48916850-G-C.
Other names: short protein forms S127T.
Identifiers: ClinVar variation 428661 (VCV000428661.10), dbSNP rs1131690843, ClinGen allele CA388252576.